The following is an entry in ClinVar:

ClinVar aggregate classification (germline): Uncertain significance (1 of 4 stars; one submission).

Conditions:
Hereditary pheochromocytoma and paraganglioma. Also called: Hereditary paragangliomas and pheochromocytomas; Hereditary Paraganglioma-Pheochromocytoma Syndromes; Hereditary pheochromocytoma-paraganglioma. Identifiers: Orphanet 29072, MedGen C4274332, MONDO:0017366.

Submission:

Labcorp Genetics (formerly Invitae), Labcorp
Classification: Uncertain significance for Hereditary pheochromocytoma and paraganglioma. Last evaluated: 2021-10-10. Review status: criteria provided, single submitter. Criteria: Invitae Variant Classification Sherloc (09022015). Collection method: clinical testing. Allele origin: germline.
Comment: This sequence change replaces glutamine with lysine at codon 101 of the SDHAF2 protein (p.Gln101Lys). The glutamine residue is highly conserved and there is a small physicochemical difference between glutamine and lysine. This variant is not present in population databases (ExAC no frequency). This variant has not been reported in the literature in individuals affected with SDHAF2-related conditions. Algorithms developed to predict the effect of missense changes on protein structure and function are either unavailable or do not agree on the potential impact of this missense change (SIFT: "Deleterious"; PolyPhen-2: "Probably Damaging"; Align-GVGD: "Class C15"). In summary, the available evidence is currently insufficient to determine the role of this variant in disease. Therefore, it has been classified as a Variant of Uncertain Significance.

NM_017841.4(SDHAF2):c.301C>A (p.Gln101Lys)

Gene: SDHAF2 (succinate dehydrogenase complex assembly factor 2; plus strand). Cytogenetic location: 11q12.2.
Variant type: single nucleotide variant.
Coding change: c.301C>A on transcript NM_017841.4 (MANE Select); coding-DNA position 301, C replaced by A.
Protein change: p.Gln101Lys; replaces glutamine 101 with lysine.
Molecular consequence: missense variant.
Genome position (GRCh38, 1-based): chr11:61,438,044, C>A. VCF-style: chr11-61438044-C-A. GRCh37 (hg19) VCF-style: chr11-61205516-C-A.
Other names: short protein forms Q101K.
Identifiers: ClinVar variation 1385914 (VCV001385914.6), dbSNP rs2134892844, ClinGen allele CA380684102.
Genomic context (GRCh38, chr11:61,438,044, plus strand): 5'-TTTTTCTTTCTTGTTTTTAGTCTTTTTGCTAAAGAACATCTGCAGCACATGACAGAAAAG[C>A]AGCTGAACCTCTATGACCGCCTGATTAACGAGCCTAGTAATGACTGGGATATTTACTACT-3'
Protein context (NP_060311.1, residues 91-111): KEHLQHMTEK[Gln101Lys]LNLYDRLINE